The following is an entry in ClinVar:

ClinVar aggregate classification (germline): Pathogenic (1 of 4 stars; one submission).

Conditions:
Developmental and epileptic encephalopathy, 11 (DEE11). Also called: Early infantile epileptic encephalopathy 11. Identifiers: Orphanet 1934, MedGen C3150987, MONDO:0013388, OMIM 613721.
Seizures, benign familial infantile, 3 (BFIS3). Also called: CONVULSIONS, BENIGN FAMILIAL INFANTILE, 3; Familial neonatal seizures. Identifiers: Orphanet 140927, Orphanet 306, MedGen C1843140, MONDO:0011904, OMIM 607745.

Submission:

Labcorp Genetics (formerly Invitae), Labcorp
Classification: Pathogenic for Seizures, benign familial infantile, 3; Developmental and epileptic encephalopathy, 11. Last evaluated: 2023-11-13. Review status: criteria provided, single submitter. Criteria: Invitae Variant Classification Sherloc (09022015). Collection method: clinical testing. Allele origin: germline.
Comment: This sequence change replaces asparagine, which is neutral and polar, with lysine, which is basic and polar, at codon 990 of the SCN2A protein (p.Asn990Lys). This variant is not present in population databases (gnomAD no frequency). This missense change has been observed in individual(s) with clinical features of SCN2A-related conditions (Invitae). In at least one individual the variant was observed to be de novo. ClinVar contains an entry for this variant (Variation ID: 2093457). Advanced modeling of protein sequence and biophysical properties (such as structural, functional, and spatial information, amino acid conservation, physicochemical variation, residue mobility, and thermodynamic stability) performed at Invitae indicates that this missense variant is expected to disrupt SCN2A protein function with a positive predictive value of 95%. For these reasons, this variant has been classified as Pathogenic.

NM_001040142.2(SCN2A):c.2970T>A (p.Asn990Lys)

Gene: SCN2A (sodium voltage-gated channel alpha subunit 2; plus strand). Cytogenetic location: 2q24.3.
Variant type: single nucleotide variant.
Coding change: c.2970T>A on transcript NM_001040142.2 (MANE Select); coding-DNA position 2970, T replaced by A.
Protein change: p.Asn990Lys; replaces asparagine 990 with lysine.
Molecular consequence: missense variant.
Genome position (GRCh38, 1-based): chr2:165,354,242, T>A. VCF-style: chr2-165354242-T-A. GRCh37 (hg19) VCF-style: chr2-166210752-T-A.
Other names: c.2970T>A, p.Asn990Lys (NM_001040143.2, NM_001371246.1, NM_001371247.1 and 1 more transcripts); short protein forms N990K.
Identifiers: ClinVar variation 2093457 (VCV002093457.4), dbSNP rs2468035649, ClinGen allele CA349019520.